The following is an entry in ClinVar:

NM_001165963.4(SCN1A):c.5218G>T (p.Asp1740Tyr)

Genes: SCN1A (sodium voltage-gated channel alpha subunit 1; minus strand), LOC102724058 (uncharacterized LOC102724058; plus strand). Cytogenetic location: 2q24.3.
Variant type: single nucleotide variant.
Coding change: c.5218G>T on transcript NM_001165963.4 (MANE Select); coding-DNA position 5218, G replaced by T.
Protein change: p.Asp1740Tyr; replaces aspartic acid 1740 with tyrosine.
Molecular consequence: missense variant. On other transcripts: non-coding transcript variant (1).
Genome position (GRCh38, 1-based): chr2:165,992,057, C>A on the plus strand (G>T on the coding strand, the complement: SCN1A is on the minus strand). VCF-style: chr2-165992057-C-A. GRCh37 (hg19) VCF-style: chr2-166848567-C-A.
Other names: c.5134G>T, p.Asp1712Tyr (NM_001353957.2, NM_001353958.2, NM_001165964.3); c.5131G>T, p.Asp1711Tyr (NM_001353960.2); c.2776G>T, p.Asp926Tyr (NM_001353961.2); c.5185G>T, p.Asp1729Tyr (NM_006920.6, NM_001353949.2, NM_001353950.2 and 2 more transcripts); c.5218G>T, p.Asp1740Tyr (NM_001202435.3, NM_001353948.2); c.5182G>T, p.Asp1728Tyr (NM_001353954.2, NM_001353955.2); short protein forms D1711Y, D1712Y, D1728Y, D1729Y, D1740Y, D926Y.
Identifiers: ClinVar variation 1675806 (VCV001675806.40), dbSNP rs796053035, ClinGen allele CA349068543.
Genomic context (GRCh38, chr2:165,992,057, plus strand): 5'-ATGGGTTCCCACAGTCTCCCTTAACTGAGCTTCCAGGGTTAACTTTATTAGGGTCACAGT[C>A]GGGTGGCTTACTGTTGAGAATGGGTGCTAGCAATCCATCCCAGCCAGCAGAGGTTGTAAT-3'
Protein context (NP_001159435.1, residues 1730-1750): LAPILNSKPP[Asp1740Tyr]CDPNKVNPGS

ClinVar aggregate classification (germline): Conflicting classifications of pathogenicity. Review status: criteria provided, conflicting classifications (1 of 4 stars). 3 submissions from 3 submitters: Likely pathogenic (2); Uncertain significance (1). Last evaluated 2025-04-21.

Conditions:
Early-infantile DEE. Also called: Early infantile epileptic encephalopathy; Early infantile epileptic encephalopathy with suppression bursts; Ohtahara syndrome. Identifiers: Orphanet 1934, MedGen C0393706, MONDO:0800491.

Submissions (3):

Women's Health and Genetics/Laboratory Corporation of America, LabCorp
Classification: Uncertain significance. Last evaluated: 2025-04-21. Review status: criteria provided, single submitter. Criteria: LabCorp Variant Classification Summary - May 2015. Collection method: clinical testing. Allele origin: germline.
Comment: Variant summary: SCN1A c.5218G>T (p.Asp1740Tyr) results in a non-conservative amino acid change in the encoded protein sequence. Three of five in-silico tools predict a damaging effect of the variant on protein function. The variant was absent in 251250 control chromosomes. c.5218G>T has been observed in individual(s) affected with SCN1A-Related Seizure Disorder (Chen_2022). These data do not allow any conclusion about variant significance. A different variant located at the same codon (c.5218G>A, p.Asp1740Asn) has been classified as Likely Pathogenic by our lab, supporting a critical relevance of this residue to SCN1A protein function. To our knowledge, no experimental evidence demonstrating an impact on protein function has been reported. The following publication has been ascertained in the context of this evaluation (PMID: 35571373). ClinVar contains an entry for this variant (Variation ID: 1675806). Based on the evidence outlined above, the variant was classified as VUS-possibly pathogenic.

Labcorp Genetics (formerly Invitae), Labcorp
Classification: Likely pathogenic for Early-infantile DEE. Last evaluated: 2024-06-04. Review status: criteria provided, single submitter. Criteria: Invitae Variant Classification Sherloc (09022015). Collection method: clinical testing. Allele origin: germline.
Comment: This sequence change replaces aspartic acid, which is acidic and polar, with tyrosine, which is neutral and polar, at codon 1740 of the SCN1A protein (p.Asp1740Tyr). This variant is not present in population databases (gnomAD no frequency). This missense change has been observed in individual(s) with generalized epilepsy with febrile seizures, plus (PMID: 35571373). ClinVar contains an entry for this variant (Variation ID: 1675806). Advanced modeling of protein sequence and biophysical properties (such as structural, functional, and spatial information, amino acid conservation, physicochemical variation, residue mobility, and thermodynamic stability) performed at Invitae indicates that this missense variant is expected to disrupt SCN1A protein function with a positive predictive value of 95%. This variant disrupts the p.Asp1740 amino acid residue in SCN1A. Other variant(s) that disrupt this residue have been determined to be pathogenic (PMID: 28842445, 29655203; Invitae). This suggests that this residue is clinically significant, and that variants that disrupt this residue are likely to be disease-causing. In summary, the currently available evidence indicates that the variant is pathogenic, but additional data are needed to prove that conclusively. Therefore, this variant has been classified as Likely Pathogenic.

CeGaT Center for Human Genetics Tuebingen
Classification: Likely pathogenic. Last evaluated: 2022-04-01. Review status: criteria provided, single submitter. Criteria: CeGaT Center For Human Genetics Tuebingen Variant Classification Criteria Version 2. Collection method: clinical testing. Allele origin: germline. Affected: yes. Observed: 1 variant allele.
Comment: SCN1A: PM2, PM5, PP2, PS4:Supporting

Literature cited by the submitters: PubMed 35571373 (cited by Women's Health and Genetics/Laboratory Corporation of America, LabCorp and Labcorp Genetics (formerly Invitae), Labcorp); PubMed 28842445 (cited by Labcorp Genetics (formerly Invitae), Labcorp); PubMed 29655203 (cited by Labcorp Genetics (formerly Invitae), Labcorp).